The following is an entry in ClinVar:

NM_000489.6(ATRX):c.4420G>T (p.Gly1474Ter)

Gene: ATRX (ATRX chromatin remodeler; minus strand). Cytogenetic location: Xq21.1.
Variant type: single nucleotide variant.
Coding change: c.4420G>T on transcript NM_000489.6 (MANE Select); coding-DNA position 4420, G replaced by T.
Protein change: p.Gly1474Ter; replaces glycine 1474 with a stop codon.
Molecular consequence: nonsense.
Genome position (GRCh38, 1-based): chrX:77,652,251, C>A on the plus strand (G>T on the coding strand, the complement: ATRX is on the minus strand). VCF-style: chrX-77652251-C-A. GRCh37 (hg19) VCF-style: chrX-76907741-C-A.
Other names: c.4306G>T, p.Gly1436Ter (NM_138270.5); short protein forms G1436*, G1474*.
Identifiers: ClinVar variation 4714872 (VCV004714872.1).

ClinVar aggregate classification (germline): Pathogenic (1 of 4 stars; one submission).

Conditions:
Alpha thalassemia-X-linked intellectual disability syndrome (ATRX). Also called: ALPHA-THALASSEMIA/MENTAL RETARDATION SYNDROME, X-LINKED; ATR, NONDELETION TYPE; ATR-X syndrome; Alpha thalassemia mental retardation syndrome, nondeletion type, X-linked; XLMR hypotonic face syndrome; X-linked alpha-thalassemia-mental retardation syndrome. Identifiers: Orphanet 847, MedGen C1845055, MONDO:0010519, OMIM 301040.

Submission:

Labcorp Genetics (formerly Invitae), Labcorp
Classification: Pathogenic for Alpha thalassemia-X-linked intellectual disability syndrome. Last evaluated: 2025-10-01. Review status: criteria provided, single submitter. Criteria: Invitae Variant Classification Sherloc (09022015). Collection method: clinical testing. Allele origin: germline.
Comment: This sequence change creates a premature translational stop signal (p.Gly1474*) in the ATRX gene. It is expected to result in an absent or disrupted protein product. Loss-of-function variants in ATRX are known to be pathogenic (PMID: 15591283, 18409179, 23681356). This variant is not present in population databases (gnomAD no frequency). This variant has not been reported in the literature in individuals affected with ATRX-related conditions. For these reasons, this variant has been classified as Pathogenic.

Literature cited by the submitters: PubMed 15591283; PubMed 18409179; PubMed 23681356.